The following is an entry in ClinVar:

NM_001377.3(DYNC2H1):c.11636del (p.Asn3879fs)

Gene: DYNC2H1 (dynein cytoplasmic 2 heavy chain 1; plus strand). Cytogenetic location: 11q22.3.
Variant type: Deletion.
Coding change: c.11636del on transcript NM_001377.3 (MANE Select); coding-DNA position 11636, one base deleted (A; older notation c.11636delA).
Protein change: p.Asn3879fs; shifts the reading frame from asparagine 3879.
Molecular consequence: frameshift variant.
Genome position (GRCh38, 1-based): chr11:103,312,020, A deleted; the last of 3 consecutive A bases (chr11:103,312,018-103,312,020); deleting any one gives the same sequence. VCF-style (leftmost placement, unchanged base first): chr11-103312017-GA-G. GRCh37 (hg19) VCF-style: chr11-103182746-GA-G.
Other names: c.11657del, p.Asn3886fs (NM_001080463.2); short protein forms N3879fs, N3886fs.
Identifiers: ClinVar variation 2855799 (VCV002855799.3), dbSNP rs2496903379, ClinGen allele CA2739270801.

ClinVar aggregate classification (germline): Pathogenic (1 of 4 stars; one submission).

Conditions:
Jeune thoracic dystrophy. Also called: Jeune syndrome; Infantile thoracic dystrophy; Thoracic pelvic phalangeal dystrophy; Jeune's syndrome; Chondroectodermal dysplasia-like syndrome; Short-rib thoracic dysplasia. Identifiers: Orphanet 474, MedGen C0265275, MONDO:0018770.

Submission:

Labcorp Genetics (formerly Invitae), Labcorp
Classification: Pathogenic for Jeune thoracic dystrophy. Last evaluated: 2023-04-13. Review status: criteria provided, single submitter. Criteria: Invitae Variant Classification Sherloc (09022015). Collection method: clinical testing. Allele origin: germline.
Comment: For these reasons, this variant has been classified as Pathogenic. This variant has not been reported in the literature in individuals affected with DYNC2H1-related conditions. This variant is not present in population databases (gnomAD no frequency). This sequence change creates a premature translational stop signal (p.Asn3886Thrfs*53) in the DYNC2H1 gene. It is expected to result in an absent or disrupted protein product. Loss-of-function variants in DYNC2H1 are known to be pathogenic (PMID: 23339108, 32753734).

Literature cited by the submitters: PubMed 23339108; PubMed 32753734.